The following is an entry in ClinVar:

NM_001563.4(IMPG1):c.238G>T (p.Val80Phe)

Gene: IMPG1 (interphotoreceptor matrix proteoglycan 1; minus strand). Cytogenetic location: 6q14.1.
Variant type: single nucleotide variant.
Coding change: c.238G>T on transcript NM_001563.4 (MANE Select); coding-DNA position 238, G replaced by T.
Protein change: p.Val80Phe; replaces valine 80 with phenylalanine.
Molecular consequence: missense variant. On other transcripts: intron variant (1).
Genome position (GRCh38, 1-based): chr6:76,041,956, C>A on the plus strand (G>T on the coding strand, the complement: IMPG1 is on the minus strand). VCF-style: chr6-76041956-C-A. GRCh37 (hg19) VCF-style: chr6-76751673-C-A.
Other names: c.68-7169G>T (NM_001282368.2); short protein forms V80F.
Identifiers: ClinVar variation 3674300 (VCV003674300.2).

ClinVar aggregate classification (germline): Uncertain significance (1 of 4 stars; one submission).

gnomAD v4.1: 2 of 1,614,022 alleles (0.00012%); highest among the groups gnomAD compares: Non-Finnish European, 0.00017%; no homozygotes.

Submission:

Labcorp Genetics (formerly Invitae), Labcorp
Classification: Uncertain significance. Last evaluated: 2024-04-03. Review status: criteria provided, single submitter. Criteria: Invitae Variant Classification Sherloc (09022015). Collection method: clinical testing. Allele origin: germline.
Comment: This sequence change replaces valine, which is neutral and non-polar, with phenylalanine, which is neutral and non-polar, at codon 80 of the IMPG1 protein (p.Val80Phe). This variant is not present in population databases (gnomAD no frequency). This variant has not been reported in the literature in individuals affected with IMPG1-related conditions. An algorithm developed to predict the effect of missense changes on protein structure and function (PolyPhen-2) suggests that this variant is likely to be disruptive. In summary, the available evidence is currently insufficient to determine the role of this variant in disease. Therefore, it has been classified as a Variant of Uncertain Significance.